The following is an entry in ClinVar:

NM_001371596.2(MFSD8):c.1345C>T (p.Pro449Ser)

Gene: MFSD8 (major facilitator superfamily domain containing 8; minus strand). Cytogenetic location: 4q28.2.
Variant type: single nucleotide variant.
Coding change: c.1345C>T on transcript NM_001371596.2 (MANE Select); coding-DNA position 1345, C replaced by T.
Protein change: p.Pro449Ser; replaces proline 449 with serine.
Molecular consequence: missense variant.
Genome position (GRCh38, 1-based): chr4:127,921,529, G>A on the plus strand (C>T on the coding strand, the complement: MFSD8 is on the minus strand). VCF-style: chr4-127921529-G-A. GRCh37 (hg19) VCF-style: chr4-128842684-G-A.
Other names: c.1144C>T, p.Pro382Ser (NM_001363520.3); c.1030C>T, p.Pro344Ser (NM_001363521.3); c.1210C>T, p.Pro404Ser (NM_001371590.2); c.1345C>T, p.Pro449Ser (NM_001371591.2, NM_152778.4); c.1351C>T, p.Pro451Ser (NM_001371592.2); c.1231C>T, p.Pro411Ser (NM_001371593.2); c.1198C>T, p.Pro400Ser (NM_001371594.2); c.1063C>T, p.Pro355Ser (NM_001371595.1); and 2 more; short protein forms P400S, P411S, P451S, P299S, P382S, P404S, P344S, P355S.
Identifiers: ClinVar variation 1770460 (VCV001770460.2), dbSNP rs371428597, ClinGen allele CA105670616.

ClinVar aggregate classification (germline): Uncertain significance (1 of 4 stars; one submission).

Conditions:
Inborn genetic diseases. Identifiers: MedGen C0950123, MeSH D030342.

Allele frequency attached by ClinVar (database versions not stated): gnomAD 0.00002; TOPMed 0.00002; ESP Exome Variant Server 0.00008.
gnomAD v4.1: 3 of 1,614,048 alleles (0.00019%); highest among the groups gnomAD compares: African/African-American, 0.004%; no homozygotes.

Submission:

Ambry Genetics
Classification: Uncertain significance for Inborn genetic diseases. Last evaluated: 2017-09-12. Review status: criteria provided, single submitter. Criteria: Ambry Variant Classification Scheme 2023. Collection method: clinical testing. Allele origin: germline.
Comment: The p.P449S variant (also known as c.1345C>T), located in coding exon 11 of the MFSD8 gene, results from a C to T substitution at nucleotide position 1345. The proline at codon 449 is replaced by serine, an amino acid with similar properties. This amino acid position is highly conserved in available vertebrate species. In addition, the in silico prediction for this alteration is inconclusive. Since supporting evidence is limited at this time, the clinical significance of this alteration remains unclear.